The following is an entry in ClinVar:

NM_006019.4(TCIRG1):c.136G>A (p.Ala46Thr)

Gene: TCIRG1 (T cell immune regulator 1, ATPase H+ transporting V0 subunit a3; plus strand). Cytogenetic location: 11q13.2.
Variant type: single nucleotide variant.
Coding change: c.136G>A on transcript NM_006019.4 (MANE Select); coding-DNA position 136, G replaced by A.
Protein change: p.Ala46Thr; replaces alanine 46 with threonine.
Molecular consequence: missense variant. On other transcripts: 5 prime UTR variant (1).
Genome position (GRCh38, 1-based): chr11:68,041,771, G>A. VCF-style: chr11-68041771-G-A. GRCh37 (hg19) VCF-style: chr11-67809238-G-A.
Other names: c.-1114G>A (NM_001351059.2); short protein forms A46T.
Identifiers: ClinVar variation 2148988 (VCV002148988.2), dbSNP rs777437386, ClinGen allele CA6146667.

ClinVar aggregate classification (germline): Uncertain significance (1 of 4 stars; one submission).

Allele frequency attached by ClinVar (database versions not stated): gnomAD 0.00001; gnomAD exomes 0.00002; ExAC 0.00003.
gnomAD v4.1: 27 of 1,609,640 alleles (0.0017%); highest among the groups gnomAD compares: African/African-American, 0.0027%; no homozygotes.

Submission:

Labcorp Genetics (formerly Invitae), Labcorp
Classification: Uncertain significance. Last evaluated: 2025-11-25. Review status: criteria provided, single submitter. Criteria: Invitae Variant Classification Sherloc (09022015). Collection method: clinical testing. Allele origin: germline.
Comment: This sequence change replaces alanine, which is neutral and non-polar, with threonine, which is neutral and polar, at codon 46 of the TCIRG1 protein (p.Ala46Thr). The frequency data for this variant in the population databases is considered unreliable, as metrics indicate poor data quality at this position in the gnomAD database. This variant has not been reported in the literature in individuals affected with TCIRG1-related conditions. ClinVar contains an entry for this variant (Variation ID: 2148988). Invitae Evidence Modeling of protein sequence and biophysical properties (such as structural, functional, and spatial information, amino acid conservation, physicochemical variation, residue mobility, and thermodynamic stability) indicates that this missense variant is not expected to disrupt TCIRG1 protein function with a negative predictive value of 80%. In summary, the available evidence is currently insufficient to determine the role of this variant in disease. Therefore, it has been classified as a Variant of Uncertain Significance.